The following is an entry in ClinVar:

NM_000090.4(COL3A1):c.2398_2401del (p.Arg800fs)

Genes: COL3A1 (collagen type III alpha 1 chain; plus strand), LOC126806446 (P300/CBP strongly-dependent group 1 enhancer GRCh37_chr2:189866210-189867409; plus strand). Cytogenetic location: 2q32.2.
Variant type: Microsatellite.
Coding change: c.2398_2401del on transcript NM_000090.4 (MANE Select); coding-DNA positions 2398 to 2401, 4 bases deleted (AGAG; older notation c.2398_2401delAGAG).
Protein change: p.Arg800fs; shifts the reading frame from arginine 800.
Molecular consequence: frameshift variant.
Genome position (GRCh38, 1-based): chr2:189,002,304-189,002,307, AGAG deleted; deleting any 4 consecutive bases within chr2:189,002,301-189,002,307 gives the same sequence; the c. name uses the placement nearest the transcript's 3' end. VCF-style (leftmost placement, unchanged base first): chr2-189002300-TGAGA-T. GRCh37 (hg19) VCF-style: chr2-189867026-TGAGA-T.
Other names: c.2396_2397AG[1], p.Arg800Valfs (NM_000090.3); c.2398_2401delAGAG (NM_000090.3); short protein forms R800fs.
Identifiers: ClinVar variation 2823485 (VCV002823485.4), dbSNP rs2469149355, ClinGen allele CA2739277968.
Genomic context (GRCh38, chr2:189,002,300, plus strand): 5'-TGCCTAAAGGAGATGACGCACACTTCACTGTGACTAAGGAGGATATTTTTCTCTTCAGGG[TGAGA>T]GAGGTGAAACTGGCCCTCCAGGACCTGCTGGTTTCCCTGGTGCTCCTGTAAGTGTGAATA-3'

ClinVar aggregate classification (germline): Pathogenic. Review status: criteria provided, multiple submitters, no conflicts (2 of 4 stars). 2 submissions from 2 submitters: Pathogenic (2). Last evaluated 2026-01-27.

Conditions:
Ehlers-Danlos syndrome, type 4 (EDSVASC). Also called: Ehlers-Danlos Syndrome Type IV; Ehlers-Danlos syndrome vascular type; Ehlers Danlos syndrome, ecchymotic type; Ehlers Danlos syndrome, arterial type; Ehlers Danlos syndrome, Sack-Barabas type. Identifiers: Orphanet 286, MedGen C0268338, MONDO:0017314, OMIM 130050.
Familial thoracic aortic aneurysm and aortic dissection (TAAD). Also called: Thoracic aortic aneurysms and dissections. Identifiers: Orphanet 91387, MedGen C4707243, MONDO:0019625.

Submissions (2):

Labcorp Genetics (formerly Invitae), Labcorp
Classification: Pathogenic for Ehlers-Danlos syndrome, type 4. Last evaluated: 2026-01-27. Review status: criteria provided, single submitter. Criteria: Invitae Variant Classification Sherloc (09022015). Collection method: clinical testing. Allele origin: germline.
Comment: This sequence change creates a premature translational stop signal (p.Arg800Valfs*435) in the COL3A1 gene. It is expected to result in an absent or disrupted protein product. Loss-of-function variants in COL3A1 are known to be pathogenic (PMID: 24922459). This variant is not present in population databases (gnomAD no frequency). This variant has not been reported in the literature in individuals affected with COL3A1-related conditions. For these reasons, this variant has been classified as Pathogenic.

Ambry Genetics
Classification: Pathogenic for Familial thoracic aortic aneurysm and aortic dissection. Last evaluated: 2025-07-14. Review status: criteria provided, single submitter. Criteria: Ambry Variant Classification Scheme 2023. Collection method: clinical testing. Allele origin: germline.
Comment: The c.2398_2401delAGAG pathogenic mutation, located in coding exon 35 of the COL3A1 gene, results from a deletion of 4 nucleotides at nucleotide positions 2398 to 2401, causing a translational frameshift with a predicted alternate stop codon (p.R800Vfs*435). This variant is considered to be rare based on population cohorts in the Genome Aggregation Database (gnomAD). This alteration is expected to result in loss of function by premature protein truncation or nonsense-mediated mRNA decay. As such, this alteration is interpreted as a disease-causing mutation.

Literature cited by the submitters: PubMed 24922459 (cited by Labcorp Genetics (formerly Invitae), Labcorp).